The following is an entry in ClinVar:

NM_001199138.2(NLRC4):c.1432G>C (p.Val478Leu)

Gene: NLRC4 (NLR family CARD domain containing 4; minus strand). Cytogenetic location: 2p22.3.
Variant type: single nucleotide variant.
Coding change: c.1432G>C on transcript NM_001199138.2 (MANE Select); coding-DNA position 1432, G replaced by C.
Protein change: p.Val478Leu; replaces valine 478 with leucine.
Molecular consequence: missense variant. On other transcripts: intron variant (1).
Genome position (GRCh38, 1-based): chr2:32,250,432, C>G on the plus strand (G>C on the coding strand, the complement: NLRC4 is on the minus strand). VCF-style: chr2-32250432-C-G. GRCh37 (hg19) VCF-style: chr2-32475501-C-G.
Other names: c.1432G>C, p.Val478Leu (NM_001199139.2, NM_021209.5); c.262+1987G>C (NM_001302504.1); short protein forms V478L.
Identifiers: ClinVar variation 2161813 (VCV002161813.4), dbSNP rs773324965, ClinGen allele CA1601996.

ClinVar aggregate classification (germline): Uncertain significance (1 of 4 stars; one submission).

Conditions:
Periodic fever-infantile enterocolitis-autoinflammatory syndrome. Also called: Autoinflammation with infantile enterocolitis. Identifiers: Orphanet 436166, MedGen C4015067, MONDO:0014472, OMIM 616050.
Familial cold autoinflammatory syndrome 4 (FCAS4). Identifiers: Orphanet 47045, Orphanet 576349, MedGen C4015276, MONDO:0014498, OMIM 616115.

Allele frequency attached by ClinVar (database versions not stated): gnomAD 0.00001; ExAC 0.00002; gnomAD exomes 0.00001.
gnomAD v4.1: 11 of 1,614,054 alleles (0.00068%); highest among the groups gnomAD compares: East Asian, 0.018%; no homozygotes.

Submission:

Labcorp Genetics (formerly Invitae), Labcorp
Classification: Uncertain significance for Periodic fever-infantile enterocolitis-autoinflammatory syndrome; Familial cold autoinflammatory syndrome 4. Last evaluated: 2023-09-22. Review status: criteria provided, single submitter. Criteria: Invitae Variant Classification Sherloc (09022015). Collection method: clinical testing. Allele origin: germline.
Comment: This variant is present in population databases (rs773324965, gnomAD 0.04%). In summary, the available evidence is currently insufficient to determine the role of this variant in disease. Therefore, it has been classified as a Variant of Uncertain Significance. Advanced modeling of protein sequence and biophysical properties (such as structural, functional, and spatial information, amino acid conservation, physicochemical variation, residue mobility, and thermodynamic stability) performed at Invitae indicates that this missense variant is not expected to disrupt NLRC4 protein function. ClinVar contains an entry for this variant (Variation ID: 2161813). This variant has not been reported in the literature in individuals affected with NLRC4-related conditions. This sequence change replaces valine, which is neutral and non-polar, with leucine, which is neutral and non-polar, at codon 478 of the NLRC4 protein (p.Val478Leu).